The following is an entry in ClinVar:

NM_001060.6(TBXA2R):c.-6G>A

Gene: TBXA2R (thromboxane A2 receptor; minus strand). Cytogenetic location: 19p13.3.
Variant type: single nucleotide variant.
Coding change: c.-6G>A on transcript NM_001060.6 (MANE Select); 6 bases upstream of the start codon, G replaced by A.
Molecular consequence: 5 prime UTR variant.
Genome position (GRCh38, 1-based): chr19:3,600,640, C>T on the plus strand (G>A on the coding strand, the complement: TBXA2R is on the minus strand). VCF-style: chr19-3600640-C-T. GRCh37 (hg19) VCF-style: chr19-3600638-C-T.
Other names: c.-6G>A (NM_201636.3).
Identifiers: ClinVar variation 3042652 (VCV003042652.3), dbSNP rs184230004, ClinGen allele CA9080958.
Genomic context (GRCh38, chr19:3,600,640, plus strand): 5'-GGGTAATGTTTGTGGGCCGGAAACAGGGCCCCAGGGAACTGCCGTTGGGCCACATGGCTC[C>T]GGAGCCCTGAGGGATCAGTCACCACCCCATCAGGCCGATGCTGCAGACAGGGCAGGCTGG-3'

ClinVar aggregate classification (germline): Likely benign. Review status: criteria provided, single submitter (1 of 4 stars). 2 submissions from 2 submitters: Likely benign (1). 1 of the submissions does not count toward it. Last evaluated 2024-07-05.

Conditions:
TBXA2R-related disorder. Also called: TBXA2R-related condition.

Allele frequency attached by ClinVar (database versions not stated): ESP Exome Variant Server 0.00149; gnomAD 0.00240; 1000 Genomes Project 0.00399; 1000 Genomes Project 30x 0.00453.
gnomAD v4.1: 691 of 1,611,702 alleles (0.043%); highest among the groups gnomAD compares: African/African-American, 0.83%; 1 homozygote.

Submissions (2):

Blueprint Genetics
Classification: Likely benign. Last evaluated: 2024-07-05. Review status: criteria provided, single submitter. Criteria: ACMG Guidelines, 2015. Collection method: clinical testing. Allele origin: germline.

PreventionGenetics, part of Exact Sciences
Classification: Likely benign for TBXA2R-related condition. Last evaluated: 2023-12-21. Review status: no assertion criteria provided. Collection method: clinical testing. Allele origin: germline. Not counted in ClinVar's aggregate classification.
Comment: This variant is classified as likely benign based on ACMG/AMP sequence variant interpretation guidelines (Richards et al. 2015 PMID: 25741868, with internal and published modifications).